The following is an entry in ClinVar:

ClinVar aggregate classification (germline): Uncertain significance (1 of 4 stars; one submission).

Submission:

Women's Health and Genetics/Laboratory Corporation of America, LabCorp
Classification: Uncertain significance. Last evaluated: 2025-05-20. Review status: criteria provided, single submitter. Criteria: LabCorp Variant Classification Summary - May 2015. Collection method: clinical testing. Allele origin: germline.
Comment: Variant summary: The variant involves the duplication of exons 4-14 in the CDH15 gene. A presumed nomenclature of c.(357+1_358-1)_(*338_?)dup has been designated for the purposes of this classification. he exact breakpoint at the 3' end of this variant is unknown, therefore this duplication may extend downstream of the annotated region of the gene. As it duplicates the termination codon, its effect on the encoded protein is unknown. The variant was absent in 21694 control chromosomes. The available data on variant occurrences in the general population are insufficient to allow any conclusion about variant significance. To our knowledge, no occurrence of c.(357+1_358-1)_(*338_?)dup in individuals affected with Intellectual Disability, Autosomal Dominant 3 and no experimental evidence demonstrating its impact on protein function have been reported. No submitters have cited clinical-significance assessments for this variant to ClinVar. Based on the evidence outlined above, the variant was classified as uncertain significance.

NC_000016.9:g.(89246764_89249955)_(89261901_?)dup

Gene: CDH15 (cadherin 15; plus strand). Cytogenetic location: 16q24.3.
Variant type: Duplication.
Identifiers: ClinVar variation 3902089 (VCV003902089.1).